The following is an entry in ClinVar:

ClinVar aggregate classification (germline): Uncertain significance (1 of 4 stars; one submission).

Allele frequency attached by ClinVar (database versions not stated): gnomAD exomes 0.00001; gnomAD 0.00002; TOPMed 0.00002.
gnomAD v4.1: 18 of 1,608,240 alleles (0.0011%); highest among the groups gnomAD compares: Non-Finnish European, 0.0014%; no homozygotes.

Submission:

Ambry Genetics
Classification: Uncertain significance. Last evaluated: 2025-06-01. Review status: criteria provided, single submitter. Criteria: Ambry Variant Classification Scheme 2023. Collection method: clinical testing. Allele origin: germline.
Comment: The p.Q756P variant (also known as c.2267A>C), located in coding exon 23 of the NEBL gene, results from an A to C substitution at nucleotide position 2267. The glutamine at codon 756 is replaced by proline, an amino acid with similar properties. This amino acid position is conserved. In addition, this alteration is predicted to be tolerated by in silico analysis. Based on the available evidence, the clinical significance of this variant remains unclear.

NM_006393.3(NEBL):c.2267A>C (p.Gln756Pro)

Gene: NEBL (nebulette; minus strand). Cytogenetic location: 10p12.31.
Variant type: single nucleotide variant.
Coding change: c.2267A>C on transcript NM_006393.3 (MANE Select); coding-DNA position 2267, A replaced by C.
Protein change: p.Gln756Pro; replaces glutamine 756 with proline.
Molecular consequence: missense variant. On other transcripts: intron variant (9).
Genome position (GRCh38, 1-based): chr10:20,814,018, T>G on the plus strand (A>C on the coding strand, the complement: NEBL is on the minus strand). VCF-style: chr10-20814018-T-G. GRCh37 (hg19) VCF-style: chr10-21102947-T-G.
Other names: c.250-1078A>C (NM_001377326.1, NM_001377327.1, NM_001377328.1); c.358-1078A>C (NM_213569.2, NM_001173484.2, NM_001377322.1); c.301-1078A>C (NM_001377324.1); c.292-1078A>C (NM_001377325.1); c.310-1078A>C (NM_001377323.1); short protein forms Q756P.
Identifiers: ClinVar variation 2249186 (VCV002249186.3), dbSNP rs1043619687, ClinGen allele CA204167107.